The following is an entry in ClinVar:

NM_001291415.2(KDM6A):c.2726A>G (p.Glu909Gly)

Gene: KDM6A (lysine demethylase 6A; plus strand). Cytogenetic location: Xp11.3.
Variant type: single nucleotide variant.
Coding change: c.2726A>G on transcript NM_001291415.2 (MANE Select); coding-DNA position 2726, A replaced by G.
Protein change: p.Glu909Gly; replaces glutamic acid 909 with glycine.
Molecular consequence: missense variant. On other transcripts: non-coding transcript variant (1).
Genome position (GRCh38, 1-based): chrX:45,070,225, A>G. VCF-style: chrX-45070225-A-G. GRCh37 (hg19) VCF-style: chrX-44929470-A-G.
Other names: c.2591A>G, p.Glu864Gly (NM_001291416.2, NM_001419811.1); c.2435A>G, p.Glu812Gly (NM_001291417.2); c.2333A>G, p.Glu778Gly (NM_001419815.1, NM_001291418.2); c.2570A>G, p.Glu857Gly (NM_021140.4, NM_001419812.1); c.1682A>G, p.Glu561Gly (NM_001291421.2); c.2468A>G, p.Glu823Gly (NM_001410742.1, NM_001419814.1); c.2726A>G, p.Glu909Gly (NM_001419809.1); c.2624A>G, p.Glu875Gly (NM_001419810.1, NM_001419813.1); short protein forms E823G, E875G, E778G, E857G, E909G, E561G, E812G, E864G.
Identifiers: ClinVar variation 2731890 (VCV002731890.3), dbSNP rs2523007951, ClinGen allele CA412795613.
Genomic context (GRCh38, chrX:45,070,225, plus strand): 5'-CCACAAACAGTGTTACCAGCCTTAACAGCCCTCACAGTGGGCTACACACAATTAATGGAG[A>G]AGGGATGGAAGAATCTCAGAGCCCCATGAAAACAGATCTGCTTCTGGTTAACCACAAACC-3'
Protein context (NP_001278344.1, residues 899-919): PHSGLHTING[Glu909Gly]GMEESQSPMK

ClinVar aggregate classification (germline): Uncertain significance (1 of 4 stars; one submission).

Conditions:
Kabuki syndrome 2 (KABUK2). Also called: KDM6A-Related Kabuki Syndrome. Identifiers: Orphanet 2322, MedGen C3275495, MONDO:0010465, OMIM 300867.

Submission:

Labcorp Genetics (formerly Invitae), Labcorp
Classification: Uncertain significance for Kabuki syndrome 2. Last evaluated: 2022-11-23. Review status: criteria provided, single submitter. Criteria: Invitae Variant Classification Sherloc (09022015). Collection method: clinical testing. Allele origin: germline.
Comment: This variant has not been reported in the literature in individuals affected with KDM6A-related conditions. In summary, the available evidence is currently insufficient to determine the role of this variant in disease. Therefore, it has been classified as a Variant of Uncertain Significance. Advanced modeling of protein sequence and biophysical properties (such as structural, functional, and spatial information, amino acid conservation, physicochemical variation, residue mobility, and thermodynamic stability) performed at Invitae indicates that this missense variant is not expected to disrupt KDM6A protein function. This variant is not present in population databases (gnomAD no frequency). This sequence change replaces glutamic acid, which is acidic and polar, with glycine, which is neutral and non-polar, at codon 857 of the KDM6A protein (p.Glu857Gly).